The following is an entry in ClinVar:

ClinVar aggregate classification (germline): Pathogenic (1 of 4 stars; one submission).

Conditions:
Multiple endocrine neoplasia, type 1 (MEN1). Also called: MEA I; MEN I; WERMER SYNDROME; Endocrine adenomatosis multiple; MEN 1. Identifiers: Orphanet 652, MedGen C0025267, MeSH D018761, MONDO:0007540, OMIM 131100.

Submission:

Labcorp Genetics (formerly Invitae), Labcorp
Classification: Pathogenic for Multiple endocrine neoplasia, type 1. Last evaluated: 2023-10-14. Review status: criteria provided, single submitter. Criteria: Invitae Variant Classification Sherloc (09022015). Collection method: clinical testing. Allele origin: germline.
Comment: This sequence change creates a premature translational stop signal (p.Asn189Metfs*35) in the MEN1 gene. It is expected to result in an absent or disrupted protein product. Loss-of-function variants in MEN1 are known to be pathogenic (PMID: 12112656, 17853334). This variant is not present in population databases (gnomAD no frequency). This premature translational stop signal has been observed in individual(s) with multiple endocrine neoplasia, Type 1 (PMID: 32299109). For these reasons, this variant has been classified as Pathogenic.

Literature cited by the submitters: PubMed 12112656; PubMed 17853334; PubMed 32299109.

NM_001370259.2(MEN1):c.564del (p.Asn189fs)

Gene: MEN1 (menin 1; minus strand). Cytogenetic location: 11q13.1.
Variant type: Deletion.
Coding change: c.564del on transcript NM_001370259.2 (MANE Select); coding-DNA position 564, one base deleted (C; older notation c.564delC).
Protein change: p.Asn189fs; shifts the reading frame from asparagine 189.
Molecular consequence: frameshift variant. On other transcripts: non-coding transcript variant (4), intron variant (5).
Genome position (GRCh38, 1-based): chr11:64,807,981, G deleted on the plus strand (C on the coding strand, the reverse complement: MEN1 is on the minus strand); the first of 3 consecutive G bases (chr11:64,807,981-64,807,983); deleting any one gives the same sequence. VCF-style (leftmost placement, unchanged base first): chr11-64807980-TG-T. GRCh37 (hg19) VCF-style: chr11-64575452-TG-T.
Other names: c.579del, p.Asn194fs (NM_000244.4, NM_001407145.1, NM_001407150.1 and 5 more transcripts); c.564del, p.Asn189fs (NM_001370251.2, NM_001370260.2, NM_001370261.2 and 7 more transcripts); c.549+15del (NM_001407148.1, NM_001407149.1, NM_001407151.1 and 2 more transcripts); short protein forms N189fs, N194fs.
Identifiers: ClinVar variation 2982300 (VCV002982300.3), dbSNP rs1555165756, ClinGen allele CA2695214731.
Genomic context (GRCh38, chr11:64,807,980, plus strand): 5'-GGCCCCTGCGGTCCTCGTTGCCCTTGCCGTGCCAGGTGACCTCAGCTGTCTGCTCCCCAT[TG>T]GGCCCAAACACTACCCAGGCATGATCCTCAGACAGGGCGAGGTGGACATCCCGGAGACCC-3'